The following is an entry in ClinVar:

NM_004006.3(DMD):c.10554-261T>C

Gene: DMD (dystrophin; minus strand). Cytogenetic location: Xp21.2.
Variant type: single nucleotide variant.
Coding change: c.10554-261T>C on transcript NM_004006.3 (MANE Select); 261 bases into the intron before coding-DNA position 10554, T replaced by C.
Molecular consequence: intron variant.
Genome position (GRCh38, 1-based): chrX:31,147,779, A>G on the plus strand (T>C on the coding strand, the complement: DMD is on the minus strand). VCF-style: chrX-31147779-A-G. GRCh37 (hg19) VCF-style: chrX-31165896-A-G.
Other names: c.10530-261T>C (NM_000109.4); c.6531-261T>C (NM_004011.4); c.6522-261T>C (NM_004012.4); c.2844-261T>C (NM_004023.3, NM_004020.4); c.3135-261T>C (NM_004022.3); c.3174-261T>C (NM_004021.3, NM_004013.3); c.2367-261T>C (NM_004014.3); c.1311-261T>C (NM_004018.3, NM_004017.3); and 3 more.
Identifiers: ClinVar variation 680561 (VCV000680561.1), dbSNP rs16989398, ClinGen allele CA328402867.

ClinVar aggregate classification (germline): Benign (1 of 4 stars; one submission).

Allele frequency attached by ClinVar (database versions not stated): gnomAD 0.06915 and 0.07323; 1000 Genomes Project 0.07841; TOPMed 0.07961; 1000 Genomes Project 30x 0.08366.
gnomAD v4.1: 7,556 of 110,067 alleles (6.9%); highest among the groups gnomAD compares: African/African-American, 22%; 572 homozygotes.

Submission:

GeneDx
Classification: Benign. Last evaluated: 2018-06-16. Review status: criteria provided, single submitter. Criteria: GeneDx Variant Classification (06012015). Collection method: clinical testing. Allele origin: germline. Affected: yes.
Comment: This variant is considered likely benign or benign based on one or more of the following criteria: it is a conservative change, it occurs at a poorly conserved position in the protein, it is predicted to be benign by multiple in silico algorithms, and/or has population frequency not consistent with disease.